The following is an entry in ClinVar:

NM_001048174.2(MUTYH):c.59A>G (p.Glu20Gly)

Gene: MUTYH (mutY DNA glycosylase; minus strand). Cytogenetic location: 1p34.1.
Variant type: single nucleotide variant.
Coding change: c.59A>G on transcript NM_001048174.2 (MANE Select); coding-DNA position 59, A replaced by G.
Protein change: p.Glu20Gly; replaces glutamic acid 20 with glycine.
Molecular consequence: missense variant. On other transcripts: 5 prime UTR variant (7), non-coding transcript variant (7).
Genome position (GRCh38, 1-based): chr1:45,334,447, T>C on the plus strand (A>G on the coding strand, the complement: MUTYH is on the minus strand). VCF-style: chr1-45334447-T-C. GRCh37 (hg19) VCF-style: chr1-45800119-T-C.
Other names: c.59A>G, p.Glu20Gly (NM_001293195.2, NM_001407070.1, NM_001407071.1 and 15 more transcripts); c.-154A>G (NM_001293196.2, NM_001407091.1, NM_001293192.2); c.-213A>G (NM_001350650.2); c.-149A>G (NM_001350651.2, NM_001407082.1); c.101A>G, p.Glu34Gly (NM_001407069.1, NM_001407073.1, NM_012222.3 and 2 more transcripts); c.-98A>G (NM_001407075.1); c.77A>G, p.Glu26Gly (NM_001407087.1); short protein forms E20G, E26G, E34G.
Identifiers: ClinVar variation 4112929 (VCV004112929.1).

ClinVar aggregate classification (germline): Uncertain significance (1 of 4 stars; one submission).

Conditions:
Hereditary cancer-predisposing syndrome. Also called: Tumor predisposition; Neoplastic Syndromes, Hereditary; Hereditary neoplastic syndrome; Hereditary Cancer Syndrome. Identifiers: Orphanet 140162, MedGen C0027672, MeSH D009386, MONDO:0015356.

gnomAD v4.1: 1 of 1,614,158 alleles (0.000062%); highest among the groups gnomAD compares: Non-Finnish European, 0.000085%; no homozygotes.

Submission:

Ambry Genetics
Classification: Uncertain significance for Hereditary cancer-predisposing syndrome. Last evaluated: 2025-08-27. Review status: criteria provided, single submitter. Criteria: Ambry Variant Classification Scheme 2023. Collection method: clinical testing. Allele origin: germline.
Comment: The p.E34G variant (also known as c.101A>G), located in coding exon 2 of the MUTYH gene, results from an A to G substitution at nucleotide position 101. The glutamic acid at codon 34 is replaced by glycine, an amino acid with similar properties. This amino acid position is conserved. In addition, this alteration is predicted to be tolerated by in silico analysis. Based on the available evidence, the clinical significance of this variant remains unclear.